The following is an entry in ClinVar:

NM_024426.6(WT1):c.412C>T (p.Pro138Ser)

Genes: WT1 (WT1 transcription factor; minus strand), LOC107982234 (WT1/WT1-AS bi-directional promoter region; plus strand). Cytogenetic location: 11p13.
Variant type: single nucleotide variant.
Coding change: c.412C>T on transcript NM_024426.6 (MANE Select); coding-DNA position 412, C replaced by T.
Protein change: p.Pro138Ser; replaces proline 138 with serine.
Molecular consequence: missense variant. On other transcripts: non-coding transcript variant (1).
Genome position (GRCh38, 1-based): chr11:32,434,949, G>A on the plus strand (C>T on the coding strand, the complement: WT1 is on the minus strand). VCF-style: chr11-32434949-G-A. GRCh37 (hg19) VCF-style: chr11-32456495-G-A.
Other names: c.412C>T, p.Pro138Ser (NM_000378.6, NM_024424.5); short protein forms P138S.
Identifiers: ClinVar variation 843256 (VCV000843256.17), dbSNP rs544477985, ClinGen allele CA064909.

ClinVar aggregate classification (germline): Uncertain significance. Review status: criteria provided, multiple submitters, no conflicts (2 of 4 stars). 3 submissions from 3 submitters: Uncertain significance (3). Last evaluated 2026-07-06.

Conditions:
Wilms tumor 1 (WT1). Also called: Wilms tumor, somatic. Identifiers: Orphanet 654, MedGen CN033288, MONDO:0008679, OMIM 194070.
11p partial monosomy syndrome (WAGR). Also called: WAGR syndrome; CHROMOSOME 11p13 DELETION SYNDROME; WAGR Complex; WAGR Spectrum Disorder. Identifiers: Orphanet 893, MedGen C0206115, MONDO:0008681, OMIM 194072.
Frasier syndrome. Identifiers: Orphanet 347, MedGen C0950122, MeSH D052159, MONDO:0007635, OMIM 136680.
Drash syndrome (DDS). Also called: WILMS TUMOR AND PSEUDO- OR TRUE HERMAPHRODITISM; NEPHROPATHY, WILMS TUMOR, AND GENITAL ANOMALIES. Identifiers: Orphanet 220, MedGen C0950121, MONDO:0008682, OMIM 194080.
Meacham syndrome. Also called: Meacham Winn Culler syndrome. Identifiers: Orphanet 3097, MedGen C1837026, MONDO:0012164, OMIM 608978.
Nephrotic syndrome, type 4 (NPHS4). Also called: Familial mesangial sclerosis; Nephrotic syndrome, early onset with diffuse mesangial sclerosis. Identifiers: Orphanet 656, MedGen C3151568, MONDO:0009733, OMIM 256370.
Mesothelioma, malignant (MESOM). Also called: Malignant mesothelioma (disease). Identifiers: Orphanet 50251, MedGen C0345967, MONDO:0006292, OMIM 156240, HP:0100001.
Inborn genetic diseases. Identifiers: MedGen C0950123, MeSH D030342.

Allele frequency attached by ClinVar (database versions not stated): gnomAD exomes below 0.00001 and 0.00001; 1000 Genomes Project 0.00020; ExAC below 0.00001; gnomAD 0.00001; 1000 Genomes Project 30x 0.00016.
gnomAD v4.1: 3 of 1,568,162 alleles (0.00019%); highest among the groups gnomAD compares: African/African-American, 0.0027%; no homozygotes.

Submissions (3):

Ambry Genetics
Classification: Uncertain significance for Inborn genetic diseases. Last evaluated: 2026-07-06. Review status: criteria provided, single submitter. Criteria: Ambry Variant Classification Scheme 2023. Collection method: clinical testing. Allele origin: germline.
Comment: The p.P133S variant (also known as c.397C>T), located in coding exon 1 of the WT1 gene, results from a C to T substitution at nucleotide position 397. The proline at codon 133 is replaced by serine, an amino acid with similar properties. This amino acid position is conserved. In addition, this alteration is predicted to be tolerated by in silico analysis. Based on the available evidence, the clinical significance of this variant remains unclear.

Fulgent Genetics
Classification: Uncertain significance for Frasier syndrome; Mesothelioma, malignant; Wilms tumor 1; Drash syndrome; Nephrotic syndrome, type 4; Meacham syndrome. Last evaluated: 2024-03-02. Review status: criteria provided, single submitter. Criteria: ACMG Guidelines, 2015. Collection method: clinical testing. Allele origin: germline.

Labcorp Genetics (formerly Invitae), Labcorp
Classification: Uncertain significance for Wilms tumor 1; Drash syndrome; 11p partial monosomy syndrome; Frasier syndrome. Last evaluated: 2022-02-25. Review status: criteria provided, single submitter. Criteria: Invitae Variant Classification Sherloc (09022015). Collection method: clinical testing. Allele origin: germline.
Comment: In summary, the available evidence is currently insufficient to determine the role of this variant in disease. Therefore, it has been classified as a Variant of Uncertain Significance. Algorithms developed to predict the effect of missense changes on protein structure and function are either unavailable or do not agree on the potential impact of this missense change (SIFT: "Deleterious"; PolyPhen-2: "Benign"; Align-GVGD: "Class C0"). ClinVar contains an entry for this variant (Variation ID: 843256). This variant has not been reported in the literature in individuals affected with WT1-related conditions. This variant is present in population databases (rs544477985, gnomAD 0.01%). This sequence change replaces proline, which is neutral and non-polar, with serine, which is neutral and polar, at codon 133 of the WT1 protein (p.Pro133Ser).